The following is an entry in ClinVar:

NM_001206744.2(TPO):c.2619-3572_2619-3516del

Genes: LALTOP (lung cancer associated lncRNA targeting TOP2A; minus strand), TPO (thyroid peroxidase; plus strand). Cytogenetic location: 2p25.3.
Variant type: Deletion.
Coding change: c.2619-3572_2619-3516del on transcript NM_001206744.2 (MANE Select); 3572 bases into the intron before coding-DNA position 2619 through 3516 bases into the intron before coding-DNA position 2619, 57 bases deleted.
Molecular consequence: intron variant.
Genome position (GRCh38, 1-based): chr2:1,537,022-1,537,078, 57 bases deleted. GRCh37 (hg19): chr2:1,540,794-1,540,850.
Other names: c.2619-3572_2619-3516del (NM_000547.6); c.2448-3572_2448-3516del (NM_175719.4, NM_001206745.2); c.2487-3572_2487-3516del (NM_175721.3); c.2100-3572_2100-3516del (NM_175722.3).
Identifiers: ClinVar variation 2650607 (VCV002650607.24), dbSNP rs1558439641, ClinGen allele CA530414071.

ClinVar aggregate classification (germline): Likely benign (1 of 4 stars; one submission).

Submission:

CeGaT Center for Human Genetics Tuebingen
Classification: Likely benign. Last evaluated: 2023-02-01. Review status: criteria provided, single submitter. Criteria: CeGaT Center For Human Genetics Tuebingen Variant Classification Criteria Version 2. Collection method: clinical testing. Allele origin: germline. Affected: yes. Observed: 3 variant alleles.
Comment: TPO: BS2